The following is an entry in ClinVar:

ClinVar aggregate classification (germline): Uncertain significance (1 of 4 stars; one submission).

Conditions:
Congenital sensory neuropathy with selective loss of small myelinated fibers (HSAN5). Also called: HSAN Type V. Identifiers: Orphanet 64752, MedGen C0020075, MONDO:0012092, OMIM 608654.

Allele frequency attached by ClinVar (database versions not stated): gnomAD exomes below 0.00001.

Submission:

Labcorp Genetics (formerly Invitae), Labcorp
Classification: Uncertain significance for Congenital sensory neuropathy with selective loss of small myelinated fibers. Last evaluated: 2018-03-18. Review status: criteria provided, single submitter. Criteria: Invitae Variant Classification Sherloc (09022015). Collection method: clinical testing. Allele origin: germline.
Comment: In summary, the available evidence is currently insufficient to determine the role of this variant in disease. Therefore, it has been classified as a Variant of Uncertain Significance. Algorithms developed to predict the effect of missense changes on protein structure and function (SIFT, PolyPhen-2, Align-GVGD) all suggest that this variant is likely to be disruptive, but these predictions have not been confirmed by published functional studies and their clinical significance is uncertain. This variant has not been reported in the literature in individuals with NGF-related disease. This variant is not present in population databases (ExAC no frequency). This sequence change replaces glutamine with arginine at codon 172 of the NGF protein (p.Gln172Arg). The glutamine residue is highly conserved and there is a small physicochemical difference between glutamine and arginine.

NM_002506.3(NGF):c.515A>G (p.Gln172Arg)

Genes: NGF (nerve growth factor; minus strand), NGF-AS1 (NGF antisense RNA 1; plus strand). Cytogenetic location: 1p13.2.
Variant type: single nucleotide variant.
Coding change: c.515A>G on transcript NM_002506.3 (MANE Select); coding-DNA position 515, A replaced by G.
Protein change: p.Gln172Arg; replaces glutamine 172 with arginine.
Molecular consequence: missense variant.
Genome position (GRCh38, 1-based): chr1:115,286,281, T>C on the plus strand (A>G on the coding strand, the complement: NGF is on the minus strand). VCF-style: chr1-115286281-T-C. GRCh37 (hg19) VCF-style: chr1-115828902-T-C.
Other names: short protein forms Q172R.
Identifiers: ClinVar variation 577597 (VCV000577597.8), dbSNP rs1557933464, ClinGen allele CA341836382.